The following is an entry in ClinVar:

ClinVar aggregate classification (germline): Pathogenic (1 of 4 stars; one submission).

Conditions:
Deficiency of isobutyryl-CoA dehydrogenase. Also called: IBD DEFICIENCY; ACAD8 DEFICIENCY; ACYL-CoA DEHYDROGENASE FAMILY, MEMBER 8, DEFICIENCY OF. Identifiers: Orphanet 79159, MedGen C1969809, MONDO:0012648, OMIM 611283.

Submission:

Labcorp Genetics (formerly Invitae), Labcorp
Classification: Pathogenic for Deficiency of isobutyryl-CoA dehydrogenase. Last evaluated: 2023-06-04. Review status: criteria provided, single submitter. Criteria: Invitae Variant Classification Sherloc (09022015). Collection method: clinical testing. Allele origin: germline.
Comment: For these reasons, this variant has been classified as Pathogenic. This variant disrupts the p.Tyr158 amino acid residue in ACAD8. Other variant(s) that disrupt this residue have been determined to be pathogenic (PMID: 34544473; Invitae). This suggests that this residue is clinically significant, and that variants that disrupt this residue are likely to be disease-causing. Advanced modeling of protein sequence and biophysical properties (such as structural, functional, and spatial information, amino acid conservation, physicochemical variation, residue mobility, and thermodynamic stability) performed at Invitae indicates that this missense variant is expected to disrupt ACAD8 protein function. This missense change has been observed in individual(s) with clinical features of isobutyryl-CoA dehydrogenase deficiency (Invitae). In at least one individual the data is consistent with being in trans (on the opposite chromosome) from a pathogenic variant. This variant is not present in population databases (gnomAD no frequency). This sequence change replaces tyrosine, which is neutral and polar, with serine, which is neutral and polar, at codon 158 of the ACAD8 protein (p.Tyr158Ser).

Literature cited by the submitters: PubMed 34544473.

NM_014384.3(ACAD8):c.473A>C (p.Tyr158Ser)

Gene: ACAD8 (acyl-CoA dehydrogenase family member 8; plus strand). Cytogenetic location: 11q25.
Variant type: single nucleotide variant.
Coding change: c.473A>C on transcript NM_014384.3 (MANE Select); coding-DNA position 473, A replaced by C.
Protein change: p.Tyr158Ser; replaces tyrosine 158 with serine.
Molecular consequence: missense variant.
Genome position (GRCh38, 1-based): chr11:134,258,607, A>C. VCF-style: chr11-134258607-A-C. GRCh37 (hg19) VCF-style: chr11-134128501-A-C.
Other names: short protein forms Y158S.
Identifiers: ClinVar variation 2954661 (VCV002954661.3), dbSNP rs779385985, ClinGen allele CA383515723.